The following is an entry in ClinVar:

ClinVar aggregate classification (germline): Likely benign (1 of 4 stars; one submission).

Allele frequency attached by ClinVar (database versions not stated): TOPMed 0.00002; gnomAD 0.00004; gnomAD exomes 0.00004; ExAC 0.00009.
gnomAD v4.1: 65 of 1,602,936 alleles (0.0041%); highest among the groups gnomAD compares: South Asian, 0.059%; no homozygotes.

Submission:

CeGaT Center for Human Genetics Tuebingen
Classification: Likely benign. Last evaluated: 2022-09-01. Review status: criteria provided, single submitter. Criteria: CeGaT Center For Human Genetics Tuebingen Variant Classification Criteria Version 2. Collection method: clinical testing. Allele origin: germline. Affected: yes. Observed: 1 variant allele.
Comment: DPP6: BP4, BP7

NM_130797.4(DPP6):c.1515G>A (p.Thr505=)

Gene: DPP6 (dipeptidyl peptidase like 6; plus strand). Cytogenetic location: 7q36.2.
Variant type: single nucleotide variant.
Coding change: c.1515G>A on transcript NM_130797.4 (MANE Select); coding-DNA position 1515, G replaced by A.
Protein change: p.Thr505=; no amino-acid change (threonine 505 retained).
Molecular consequence: synonymous variant. On other transcripts: non-coding transcript variant (2).
Genome position (GRCh38, 1-based): chr7:154,804,932, G>A. VCF-style: chr7-154804932-G-A. GRCh37 (hg19) VCF-style: chr7-154596642-G-A.
Other names: c.1323G>A, p.Thr441= (NM_001039350.3); c.1194G>A, p.Thr398= (NM_001290252.2); c.1332G>A, p.Thr444= (NM_001364497.2, NM_001364498.2, NM_001364499.2 and 1 more transcripts); c.1329G>A, p.Thr443= (NM_001936.5).
Identifiers: ClinVar variation 2658267 (VCV002658267.24), dbSNP rs774306342, ClinGen allele CA4583584.